The following is an entry in ClinVar:

ClinVar aggregate classification (germline): Likely benign. Review status: criteria provided, multiple submitters, no conflicts (2 of 4 stars). 2 submissions from 2 submitters: Likely benign (2). Last evaluated 2024-08-07.

Conditions:
Hereditary cancer-predisposing syndrome. Also called: Hereditary neoplastic syndrome; Hereditary Cancer Syndrome; Neoplastic Syndromes, Hereditary; Tumor predisposition. Identifiers: Orphanet 140162, MedGen C0027672, MeSH D009386, MONDO:0015356.
Multiple endocrine neoplasia, type 2 (MEN2). Identifiers: Orphanet 653, MedGen C4048306, MONDO:0019003. Disease mechanism: gain of function.

Allele frequency attached by ClinVar (database versions not stated): gnomAD 0.00001.
gnomAD v4.1: 1 of 1,606,804 alleles (0.000062%); highest among the groups gnomAD compares: Non-Finnish European, 0.000085%; no homozygotes.

Submissions (2):

Ambry Genetics
Classification: Likely benign for Hereditary cancer-predisposing syndrome. Last evaluated: 2024-08-07. Review status: criteria provided, single submitter. Criteria: Ambry Variant Classification Scheme 2023. Collection method: clinical testing. Allele origin: germline.

All of Us Research Program, National Institutes of Health
Classification: Likely benign for Multiple endocrine neoplasia, type 2. Last evaluated: 2023-04-28. Review status: criteria provided, single submitter. Criteria: ACMG Guidelines, 2015. Collection method: clinical testing. Allele origin: germline. Inheritance: Autosomal dominant inheritance. Observed: 1 variant allele, 1 heterozygote.
Comment: This study involves interpretation of variants in research participants for the purpose of population health screening. Participant phenotype was not available at the time of variant classification. Additional details can be found in publication PMID: 35346344, PMCID: PMC8962531

NM_020975.6(RET):c.309T>C (p.His103=)

Gene: RET (ret proto-oncogene; plus strand). Cytogenetic location: 10q11.21.
Variant type: single nucleotide variant.
Coding change: c.309T>C on transcript NM_020975.6 (MANE Select); coding-DNA position 309, T replaced by C.
Protein change: p.His103=; no amino-acid change (histidine 103 retained).
Molecular consequence: synonymous variant. On other transcripts: intron variant (4).
Genome position (GRCh38, 1-based): chr10:43,100,694, T>C. VCF-style: chr10-43100694-T-C. GRCh37 (hg19) VCF-style: chr10-43596142-T-C.
Other names: c.309T>C, p.His103= (NM_000323.2, NM_001406743.1, NM_001406744.1 and 34 more transcripts); c.74-8337T>C (NM_001406784.1); c.74-11405T>C (NM_001406794.1, NM_001406792.1, NM_001406793.1).
Identifiers: ClinVar variation 3070554 (VCV003070554.2), dbSNP rs1837621923, ClinGen allele CA469490807.
Genomic context (GRCh38, chr10:43,100,694, plus strand): 5'-CAACTGGATCTGCATCCAGGAGGACACCGGCCTCCTCTACCTTAACCGGAGCCTGGACCA[T>C]AGCTCCTGGGAGAAGCTCAGTGTCCGCAGTAAGGGAGCCGCCCCAACACCCACCCCGTGC-3'
Protein context (NP_066124.1, residues 93-113): GLLYLNRSLD[His103=]SSWEKLSVRN